The following is an entry in ClinVar:

ClinVar aggregate classification (germline): Uncertain significance. Review status: criteria provided, multiple submitters, no conflicts (2 of 4 stars). 3 submissions from 3 submitters: Uncertain significance (3). Last evaluated 2025-10-03.

Conditions:
Inborn genetic diseases. Identifiers: MedGen C0950123, MeSH D030342.

Allele frequency attached by ClinVar (database versions not stated): ExAC 0.00007; ESP Exome Variant Server 0.00046; gnomAD exomes 0.00005; 1000 Genomes Project 30x 0.00016; gnomAD 0.00029 and 0.00032; 1000 Genomes Project 0.00020; TOPMed 0.00036.

Submissions (3):

GeneDx
Classification: Uncertain significance. Last evaluated: 2025-10-03. Review status: criteria provided, single submitter. Criteria: GeneDx Variant Classification Process June 2021. Collection method: clinical testing. Allele origin: germline. Affected: yes.
Comment: In silico analysis supports that this missense variant has a deleterious effect on protein structure/function; Has not been previously published as pathogenic or benign to our knowledge

Ambry Genetics
Classification: Uncertain significance for Inborn genetic diseases. Last evaluated: 2022-11-15. Review status: criteria provided, single submitter. Criteria: Ambry Variant Classification Scheme 2023. Collection method: clinical testing. Allele origin: germline.

Labcorp Genetics (formerly Invitae), Labcorp
Classification: Uncertain significance. Last evaluated: 2022-09-12. Review status: criteria provided, single submitter. Criteria: Invitae Variant Classification Sherloc (09022015). Collection method: clinical testing. Allele origin: germline.
Comment: This sequence change replaces glycine, which is neutral and non-polar, with serine, which is neutral and polar, at codon 198 of the GFER protein (p.Gly198Ser). This variant is present in population databases (rs147568500, gnomAD 0.1%). This variant has not been reported in the literature in individuals affected with GFER-related conditions. ClinVar contains an entry for this variant (Variation ID: 214474). Algorithms developed to predict the effect of missense changes on protein structure and function (SIFT, PolyPhen-2, Align-GVGD) all suggest that this variant is likely to be disruptive. Algorithms developed to predict the effect of sequence changes on RNA splicing suggest that this variant may create or strengthen a splice site. In summary, the available evidence is currently insufficient to determine the role of this variant in disease. Therefore, it has been classified as a Variant of Uncertain Significance.

NM_005262.3(GFER):c.592G>A (p.Gly198Ser)

Gene: GFER (growth factor, augmenter of liver regeneration; plus strand). Cytogenetic location: 16p13.3.
Variant type: single nucleotide variant.
Coding change: c.592G>A on transcript NM_005262.3 (MANE Select); coding-DNA position 592, G replaced by A.
Protein change: p.Gly198Ser; replaces glycine 198 with serine.
Molecular consequence: missense variant.
Genome position (GRCh38, 1-based): chr16:1,986,002, G>A. VCF-style: chr16-1986002-G-A. GRCh37 (hg19) VCF-style: chr16-2036003-G-A.
Other names: p.G198S:GGC>AGC; short protein forms G198S.
Identifiers: ClinVar variation 214474 (VCV000214474.7), dbSNP rs147568500, ClinGen allele CA320714.
Genomic context (GRCh38, chr16:1,986,002, plus strand): 5'-AACCGCAAGCTGGGCAAGCCTGACTTCGACTGCTCAAAAGTGGATGAGCGCTGGCGCGAC[G>A]GCTGGAAGGATGGCTCCTGTGACTAGAGGGTGGTCAGCCAGAGCTCATGGGACAGCTAGC-3'
Protein context (NP_005253.3, residues 188-205): CSKVDERWRD[Gly198Ser]WKDGSCD